The following is an entry in ClinVar:

NM_024649.5(BBS1):c.591+7C>T

Gene: BBS1 (Bardet-Biedl syndrome 1; plus strand). Cytogenetic location: 11q13.2.
Variant type: single nucleotide variant.
Coding change: c.591+7C>T on transcript NM_024649.5 (MANE Select); 7 bases into the intron after coding-DNA position 591, C replaced by T.
Molecular consequence: intron variant.
Genome position (GRCh38, 1-based): chr11:66,515,940, C>T. VCF-style: chr11-66515940-C-T. GRCh37 (hg19) VCF-style: chr11-66283411-C-T.
Identifiers: ClinVar variation 4993822 (VCV004993822.1).

ClinVar aggregate classification (germline): Likely benign (1 of 4 stars; one submission).

Conditions:
BBS1-related disorder. Also called: BBS1-related condition.

gnomAD v4.1: 4 of 1,613,788 alleles (0.00025%); highest among the groups gnomAD compares: Non-Finnish European, 0.00034%; no homozygotes.

Submission:

PreventionGenetics, part of Exact Sciences
Classification: Likely benign for BBS1-related condition. Last evaluated: 2026-07-20. Review status: criteria provided, single submitter. Criteria: ACMG Guidelines, 2015. Collection method: clinical testing. Allele origin: germline.
Comment: This variant is classified as likely benign based on ACMG/AMP sequence variant interpretation guidelines (Richards et al. 2015 PMID: 25741868, with internal and published modifications).